The following is an entry in ClinVar:

ClinVar aggregate classification (germline): Uncertain significance (1 of 4 stars; one submission).

Submission:

GeneDx
Classification: Uncertain significance. Last evaluated: 2023-07-07. Review status: criteria provided, single submitter. Criteria: GeneDx Variant Classification Process June 2021. Collection method: clinical testing. Allele origin: germline. Affected: yes.
Comment: Not observed at significant frequency in large population cohorts (gnomAD); In silico analysis supports that this missense variant has a deleterious effect on protein structure/function; Has not been previously published as pathogenic or benign to our knowledge

NM_000829.4(GRIA4):c.1055T>C (p.Val352Ala)

Gene: GRIA4 (glutamate ionotropic receptor AMPA type subunit 4; plus strand). Cytogenetic location: 11q22.3.
Variant type: single nucleotide variant.
Coding change: c.1055T>C on transcript NM_000829.4 (MANE Select); coding-DNA position 1055, T replaced by C.
Protein change: p.Val352Ala; replaces valine 352 with alanine.
Molecular consequence: missense variant. On other transcripts: non-coding transcript variant (1).
Genome position (GRCh38, 1-based): chr11:105,905,198, T>C. VCF-style: chr11-105905198-T-C. GRCh37 (hg19) VCF-style: chr11-105775924-T-C.
Other names: c.1055T>C, p.Val352Ala (NM_001077243.3, NM_001077244.2, NM_001112812.2); short protein forms V352A.
Identifiers: ClinVar variation 3360907 (VCV003360907.1).
Genomic context (GRCh38, chr11:105,905,198, plus strand): 5'-GTTAAAATTCCTATAAGTGAAATTGCAAGTGAACACGTGTGGTTTTCTTTTTCACTTAGG[T>C]TCGAATTCAAGGGCTGACAGGGAATGTTCAGTTTGACCACTATGGACGTAGAGTCAATTA-3'
Protein context (NP_000820.4, residues 342-362): GIDMERTLKQ[Val352Ala]RIQGLTGNVQ